The following is an entry in ClinVar:

ClinVar aggregate classification (germline): Benign/Likely benign. Review status: criteria provided, multiple submitters, no conflicts (2 of 4 stars). 4 submissions from 4 submitters: Benign (1); Likely benign (3). Last evaluated 2025-03-04.

Conditions:
Familial cancer of breast. Also called: Hereditary breast cancer; hereditary breast carcinoma; BREAST CANCER, FAMILIAL. Identifiers: Orphanet 227535, MedGen C0346153, MONDO:0016419, OMIM 114480. Disease mechanism: loss of function.
Ataxia-telangiectasia syndrome (AT). Also called: Ataxia telangiectasia (A-T); LOUIS-BAR SYNDROME; Cerebello-oculocutaneous telangiectasia; Immunodeficiency with ataxia telangiectasia; Ataxia-telangiectasia, complementation group D; AT, COMPLEMENTATION GROUP C. Identifiers: Orphanet 100, MedGen C0004135, MONDO:0008840, OMIM 208900.
Hereditary cancer-predisposing syndrome. Also called: Hereditary neoplastic syndrome; Neoplastic Syndromes, Hereditary; Tumor predisposition; Hereditary Cancer Syndrome. Identifiers: Orphanet 140162, MedGen C0027672, MeSH D009386, MONDO:0015356.

Submissions (4):

Center for Genomic Medicine, Rigshospitalet, Copenhagen University Hospital
Classification: Likely benign. Last evaluated: 2025-03-04. Review status: criteria provided, single submitter. Criteria: ACMG Guidelines, 2015. Collection method: clinical testing. Allele origin: germline.

Myriad Genetics, Inc.
Classification: Benign for Familial cancer of breast. Last evaluated: 2024-06-19. Review status: criteria provided, single submitter. Criteria: Myriad Autosomal Dominant, Autosomal Recessive and X-Linked Classification Criteria (2023). Collection method: clinical testing. Allele origin: unknown.
Comment: This variant is considered benign. This variant is a silent/synonymous amino acid change and it is not expected to impact splicing.

Labcorp Genetics (formerly Invitae), Labcorp
Classification: Likely benign for Ataxia-telangiectasia syndrome. Last evaluated: 2024-05-27. Review status: criteria provided, single submitter. Criteria: Invitae Variant Classification Sherloc (09022015). Collection method: clinical testing. Allele origin: germline.

Ambry Genetics
Classification: Likely benign for Hereditary cancer-predisposing syndrome. Last evaluated: 2020-05-14. Review status: criteria provided, single submitter. Criteria: Ambry Variant Classification Scheme 2023. Collection method: clinical testing. Allele origin: germline.

NM_000051.4(ATM):c.8325C>T (p.Pro2775=)

Genes: ATM (ATM serine/threonine kinase; plus strand), C11orf65 (chromosome 11 open reading frame 65; minus strand). Cytogenetic location: 11q22.3.
Variant type: single nucleotide variant.
Coding change: c.8325C>T on transcript NM_000051.4 (MANE Select); coding-DNA position 8325, C replaced by T.
Protein change: p.Pro2775=; no amino-acid change (proline 2775 retained).
Molecular consequence: synonymous variant. On other transcripts: intron variant (2).
Genome position (GRCh38, 1-based): chr11:108,343,278, C>T. VCF-style: chr11-108343278-C-T. GRCh37 (hg19) VCF-style: chr11-108214005-C-T.
Other names: c.8325C>T, p.Pro2775= (NM_001351834.2); c.641-34207G>A (NM_001330368.2); c.695-7986G>A (NM_001351110.2).
Identifiers: ClinVar variation 1762939 (VCV001762939.7), dbSNP rs2547416737, ClinGen allele CA476672626.